The following is an entry in ClinVar:

ClinVar aggregate classification (germline): Benign/Likely benign. Review status: criteria provided, multiple submitters, no conflicts (2 of 4 stars). 4 submissions from 4 submitters: Benign (1); Likely benign (2). 1 of the submissions does not count toward it. Last evaluated 2026-09-01.

Conditions:
ADAM22-related disorder. Also called: ADAM22-related condition.

Allele frequency attached by ClinVar (database versions not stated): ESP Exome Variant Server 0.00008; gnomAD exomes 0.00048 and 0.00239; gnomAD 0.00076 and 0.00079; TOPMed 0.00162; 1000 Genomes Project 0.00180; 1000 Genomes Project 30x 0.00203; ExAC 0.00236.
gnomAD v4.1: 799 of 1,587,154 alleles (0.05%); highest among the groups gnomAD compares: Admixed American, 1.4%; 7 homozygotes.

Submissions (4):

CeGaT Center for Human Genetics Tuebingen
Classification: Likely benign. Last evaluated: 2026-09-01. Review status: criteria provided, single submitter. Criteria: CeGaT Center For Human Genetics Tuebingen Variant Classification Criteria Version 2. Collection method: clinical testing. Allele origin: germline. Affected: yes. Observed: 9 variant alleles.
Comment: ADAM22: BP4, BS1

Labcorp Genetics (formerly Invitae), Labcorp
Classification: Benign. Last evaluated: 2019-12-31. Review status: criteria provided, single submitter. Criteria: Invitae Variant Classification Sherloc (09022015). Collection method: clinical testing. Allele origin: germline.

Laboratorio de Genetica e Diagnostico Molecular, Hospital Israelita Albert Einstein
Classification: Likely benign. Last evaluated: 2019-12-25. Review status: criteria provided, single submitter. Criteria: ACMG Guidelines, 2015. Collection method: clinical testing. Allele origin: germline. Affected: yes.
Comment: ACMG classification criteria: BS1, BP4

PreventionGenetics, part of Exact Sciences
Classification: Benign for ADAM22-related condition. Last evaluated: 2019-07-29. Review status: no assertion criteria provided. Collection method: clinical testing. Allele origin: germline. Not counted in ClinVar's aggregate classification.
Comment: This variant is classified as benign based on ACMG/AMP sequence variant interpretation guidelines (Richards et al. 2015 PMID: 25741868, with internal and published modifications).

NM_001324418.2(ADAM22):c.659C>G (p.Pro220Arg)

Gene: ADAM22 (ADAM metallopeptidase domain 22; plus strand). Cytogenetic location: 7q21.12.
Variant type: single nucleotide variant.
Coding change: c.659C>G on transcript NM_001324418.2 (MANE Select); coding-DNA position 659, C replaced by G.
Protein change: p.Pro220Arg; replaces proline 220 with arginine.
Molecular consequence: missense variant.
Genome position (GRCh38, 1-based): chr7:88,125,640, C>G. VCF-style: chr7-88125640-C-G. GRCh37 (hg19) VCF-style: chr7-87754955-C-G.
Other names: c.656C>G, p.Pro219Arg (NM_001324417.2, NM_001324419.2, NM_001391978.1 and 2 more transcripts); c.659C>G, p.Pro220Arg (NM_001324420.2, NM_001324421.2, NM_001391976.1 and 6 more transcripts); c.710C>G, p.Pro237Arg (NM_001391975.1, NM_001391980.1, NM_001391982.1); short protein forms P219R, P220R, P237R.
Identifiers: ClinVar variation 771412 (VCV000771412.16), dbSNP rs201142062, ClinGen allele CA4330273.